The following is an entry in ClinVar:

NM_005961.3(MUC6):c.5475C>A (p.Thr1825=)

Gene: MUC6 (mucin 6, oligomeric mucus/gel-forming (gene/pseudogene); minus strand). Cytogenetic location: 11p15.5.
Variant type: single nucleotide variant.
Coding change: c.5475C>A on transcript NM_005961.3 (MANE Select); coding-DNA position 5475, C replaced by A.
Protein change: p.Thr1825=; no amino-acid change (threonine 1825 retained).
Molecular consequence: synonymous variant.
Genome position (GRCh38, 1-based): chr11:1,017,326, G>T on the plus strand (C>A on the coding strand, the complement: MUC6 is on the minus strand). VCF-style: chr11-1017326-G-T. GRCh37 (hg19) VCF-style: chr11-1017326-G-T.
Identifiers: ClinVar variation 3388885 (VCV003388885.14).

ClinVar aggregate classification (germline): Likely benign (1 of 4 stars; one submission).

Submission:

CeGaT Center for Human Genetics Tuebingen
Classification: Likely benign. Last evaluated: 2024-09-01. Review status: criteria provided, single submitter. Criteria: CeGaT Center For Human Genetics Tuebingen Variant Classification Criteria Version 2. Collection method: clinical testing. Allele origin: germline. Affected: yes. Observed: 1 variant allele.
Comment: MUC6: PM2:Supporting, BP4, BP7